The following is an entry in ClinVar:

NM_019055.6(ROBO4):c.616A>G (p.Met206Val)

Gene: ROBO4 (roundabout guidance receptor 4; minus strand). Cytogenetic location: 11q24.2.
Variant type: single nucleotide variant.
Coding change: c.616A>G on transcript NM_019055.6 (MANE Select); coding-DNA position 616, A replaced by G.
Protein change: p.Met206Val; replaces methionine 206 with valine.
Molecular consequence: missense variant.
Genome position (GRCh38, 1-based): chr11:124,896,261, T>C on the plus strand (A>G on the coding strand, the complement: ROBO4 is on the minus strand). VCF-style: chr11-124896261-T-C. GRCh37 (hg19) VCF-style: chr11-124766157-T-C.
Other names: c.181A>G, p.Met61Val (NM_001301088.2); c.616A>G, p.Met206Val (NM_001441183.1); short protein forms M206V, M61V.
Identifiers: ClinVar variation 4885618 (VCV004885618.2).

ClinVar aggregate classification (germline): Uncertain significance (1 of 4 stars; one submission).

Submission:

Dasa
Classification: Uncertain significance. Last evaluated: 2025-07-15. Review status: criteria provided, single submitter. Criteria: DASA Assertion Criteria. Collection method: clinical testing. Allele origin: germline.
Comment: NM_019055.6(ROBO4):c.616A>G (p.Met206Val) is a missense variant that results in the substitution of methionine with valine. This variant is rare in population databases. Computational prediction algorithms are consistent with a benign effect. The currently available literature and clinical evidence are not sufficient to establish a definitive association between this variant and the reported condition. Therefore, this variant is classified as a variant of uncertain significance.